The following is an entry in ClinVar:

ClinVar aggregate classification (germline): Benign/Likely benign. Review status: criteria provided, multiple submitters, no conflicts (2 of 4 stars). 3 submissions from 3 submitters: Benign (1); Likely benign (2). Last evaluated 2025-10-26.

Conditions:
Multiple mitochondrial dysfunctions syndrome 3 (MMDS3). Identifiers: Orphanet 363424, MedGen C3809165, MONDO:0014132, OMIM 615330.
Hereditary spastic paraplegia 74. Also called: Spastic paraplegia 74, autosomal recessive. Identifiers: Orphanet 468661, MedGen C5568837, MONDO:0014644, OMIM 616451.

Allele frequency attached by ClinVar (database versions not stated): TOPMed 0.00020; gnomAD 0.00024 and 0.00025; gnomAD exomes 0.00050; ExAC 0.00117.
gnomAD v4.1: 267 of 1,535,404 alleles (0.017%); highest among the groups gnomAD compares: Non-Finnish European, 0.0041%; 1 homozygote.

Submissions (3):

Labcorp Genetics (formerly Invitae), Labcorp
Classification: Benign for Multiple mitochondrial dysfunctions syndrome 3; Hereditary spastic paraplegia 74. Last evaluated: 2025-10-26. Review status: criteria provided, single submitter. Criteria: Invitae Variant Classification Sherloc (09022015). Collection method: clinical testing. Allele origin: germline.

Blueprint Genetics
Classification: Likely benign. Last evaluated: 2024-05-13. Review status: criteria provided, single submitter. Criteria: ACMG Guidelines, 2015. Collection method: clinical testing. Allele origin: germline.

GeneDx
Classification: Likely benign. Last evaluated: 2018-05-09. Review status: criteria provided, single submitter. Criteria: GeneDx Variant Classification (06012015). Collection method: clinical testing. Allele origin: germline. Affected: yes.
Comment: This variant is considered likely benign or benign based on one or more of the following criteria: it is a conservative change, it occurs at a poorly conserved position in the protein, it is predicted to be benign by multiple in silico algorithms, and/or has population frequency not consistent with disease.

NM_001010867.4(IBA57):c.279C>G (p.Arg93=)

Gene: IBA57 (iron-sulfur cluster assembly factor IBA57; plus strand). Cytogenetic location: 1q42.13.
Variant type: single nucleotide variant.
Coding change: c.279C>G on transcript NM_001010867.4 (MANE Select); coding-DNA position 279, C replaced by G.
Protein change: p.Arg93=; no amino-acid change (arginine 93 retained).
Molecular consequence: synonymous variant.
Genome position (GRCh38, 1-based): chr1:228,166,095, C>G. VCF-style: chr1-228166095-C-G. GRCh37 (hg19) VCF-style: chr1-228353796-C-G.
Identifiers: ClinVar variation 682558 (VCV000682558.11), dbSNP rs750061256, ClinGen allele CA1431094.